The following is an entry in ClinVar:

NM_017654.4(SAMD9):c.4566A>T (p.Lys1522Asn)

Gene: SAMD9 (sterile alpha motif domain containing 9; minus strand). Cytogenetic location: 7q21.2.
Variant type: single nucleotide variant.
Coding change: c.4566A>T on transcript NM_017654.4 (MANE Select); coding-DNA position 4566, A replaced by T.
Protein change: p.Lys1522Asn; replaces lysine 1522 with asparagine.
Molecular consequence: missense variant.
Genome position (GRCh38, 1-based): chr7:93,101,532, T>A on the plus strand (A>T on the coding strand, the complement: SAMD9 is on the minus strand). VCF-style: chr7-93101532-T-A. GRCh37 (hg19) VCF-style: chr7-92730845-T-A.
Other names: c.4566A>T, p.Lys1522Asn (NM_001193307.2); short protein forms K1522N.
Identifiers: ClinVar variation 4629813 (VCV004629813.1).

ClinVar aggregate classification (germline): Uncertain significance (1 of 4 stars; one submission).

Conditions:
Inborn genetic diseases. Identifiers: MedGen C0950123, MeSH D030342.

Submission:

Ambry Genetics
Classification: Uncertain significance for Inborn genetic diseases. Last evaluated: 2025-09-21. Review status: criteria provided, single submitter. Criteria: Ambry Variant Classification Scheme 2023. Collection method: clinical testing. Allele origin: germline.
Comment: The p.K1522N variant (also known as c.4566A>T), located in coding exon 1 of the SAMD9 gene, results from an A to T substitution at nucleotide position 4566. The lysine at codon 1522 is replaced by asparagine, an amino acid with similar properties. This amino acid position is conserved. In addition, this alteration is predicted to be tolerated by in silico analysis. Based on the available evidence, the clinical significance of this variant remains unclear.